The following is an entry in ClinVar:

NM_000202.8(IDS):c.1403G>C (p.Arg468Pro)

Gene: IDS (iduronate 2-sulfatase; minus strand). Cytogenetic location: Xq28.
Variant type: single nucleotide variant.
Coding change: c.1403G>C on transcript NM_000202.8 (MANE Select); coding-DNA position 1403, G replaced by C.
Protein change: p.Arg468Pro; replaces arginine 468 with proline.
Molecular consequence: missense variant.
Genome position (GRCh38, 1-based): chrX:149,482,996, C>G on the plus strand (G>C on the coding strand, the complement: IDS is on the minus strand). VCF-style: chrX-149482996-C-G. GRCh37 (hg19) VCF-style: chrX-148564527-C-G.
Other names: c.1133G>C, p.Arg378Pro (NM_001166550.4); short protein forms R468P, R378P.
Identifiers: ClinVar variation 92615 (VCV000092615.10), dbSNP rs113993946, ClinGen allele CA220490.
Genomic context (GRCh38, chrX:149,482,996, plus strand): 5'-ATGATCTTTATATCTTTTAAACTCGGCTTGTCAGAATTCCACTGAGGGATGTCTGAAGGC[C>G]GGGGATACTGGCTATAGGCAATCAGTTCACGGGGATTACCAGGGAGGTACGGATCCTCTT-3'
Protein context (NP_000193.1, residues 458-478): RELIAYSQYP[Arg468Pro]PSDIPQWNSD

ClinVar aggregate classification (germline): Pathogenic/Likely pathogenic. Review status: criteria provided, multiple submitters, no conflicts (2 of 4 stars). 4 submissions from 4 submitters: Pathogenic (3); Likely pathogenic (1). Last evaluated 2024-06-07.

Conditions:
Mucopolysaccharidosis, MPS-II (MPS2). Also called: Mucopolysaccharidosis type 2; Mucopolysaccharidosis with skin involvement; IDS deficiency; Sulfoiduronate sulfatase deficiency; SIDS deficiency; Attenuated MPS (subtype; formerly known as mild MPS II). Identifiers: Orphanet 580, Orphanet 79388, MedGen C0026705, MONDO:0010674, OMIM 309900.

Submissions (4):

Laboratory of Diagnosis and Therapy of Lysosomal Disorders, University of Padova
Classification: Pathogenic for Mucopolysaccharidosis, MPS-II. Last evaluated: 2024-06-07. Review status: criteria provided, single submitter. Criteria: ACMG Guidelines, 2015. Collection method: literature only. Allele origin: germline. Affected: yes. Observed: 2 variant alleles.
Comment: In vitro or in vivo functional studies supportive of a damaging effect (PS3_Strong), Absent from controls (or at low frequency) in gnomAD database (PM2_Moderate), Missense variant in a gene with a low rate of benign missense variation (PP2_Supporting), Multiple lines of computational evidence support a deleterious effect (PP3_Supporting), Patient’s phenotype or family history highly specific for the disease (PP4_Strong)

Classification method: ACMG Guidelines [PMID:25741868] with modifications

Fulgent Genetics
Classification: Likely pathogenic for Mucopolysaccharidosis, MPS-II. Last evaluated: 2024-03-22. Review status: criteria provided, single submitter. Criteria: ACMG Guidelines, 2015. Collection method: clinical testing. Allele origin: germline.

Women's Health and Genetics/Laboratory Corporation of America, LabCorp
Classification: Pathogenic for Mucopolysaccharidosis, MPS-II. Last evaluated: 2024-03-19. Review status: criteria provided, single submitter. Criteria: LabCorp Variant Classification Summary - May 2015. Collection method: clinical testing. Allele origin: germline.
Comment: Variant summary: IDS c.1403G>C (p.Arg468Pro) results in a non-conservative amino acid change in the encoded protein sequence. Five of five in-silico tools predict a damaging effect of the variant on protein function. The variant was absent in 183290 control chromosomes (gnomAD). c.1403G>C has been reported in the literature in individuals affected with Mucopolysaccharidosis Type II (Hunter Syndrome; Charoenwattanasatien_2012, Ramirez-Hernanzez_2022). These data indicate that the variant may be associated with disease. At least one publication reports experimental evidence evaluating an impact on protein function, finding that the variant results in no IDS activity in transfected COS7 cells (Charoenwattanasatien_2012). Other missense variants affecting this residue have been determined to be pathogenic. The following publications have been ascertained in the context of this evaluation (PMID: 22990955, 35916809). ClinVar contains an entry for this variant (Variation ID: 92615). Based on the evidence outlined above, the variant was classified as pathogenic.

Eurofins Ntd Llc (ga)
Classification: Pathogenic. Last evaluated: 2015-08-11. Review status: criteria provided, single submitter. Criteria: EGL Classification Definitions. Collection method: clinical testing. Allele origin: germline. Observed: 3 variant alleles, 2 heterozygotes, 1 hemizygote.

Literature cited by the submitters: PubMed 22990955 (cited by Laboratory of Diagnosis and Therapy of Lysosomal Disorders, University of Padova and Women's Health and Genetics/Laboratory Corporation of America, LabCorp); PubMed 35916809 (cited by Laboratory of Diagnosis and Therapy of Lysosomal Disorders, University of Padova and Women's Health and Genetics/Laboratory Corporation of America, LabCorp).